The following is an entry in ClinVar:

NM_001365999.1(SZT2):c.6122T>G (p.Val2041Gly)

Gene: SZT2 (SZT2 subunit of KICSTOR complex; plus strand). Cytogenetic location: 1p34.2.
Variant type: single nucleotide variant.
Coding change: c.6122T>G on transcript NM_001365999.1 (MANE Select); coding-DNA position 6122, T replaced by G.
Protein change: p.Val2041Gly; replaces valine 2041 with glycine.
Molecular consequence: missense variant.
Genome position (GRCh38, 1-based): chr1:43,437,258, T>G. VCF-style: chr1-43437258-T-G. GRCh37 (hg19) VCF-style: chr1-43902929-T-G.
Other names: c.5951T>G, p.Val1984Gly (NM_015284.4); short protein forms V1984G, V2041G.
Identifiers: ClinVar variation 4976549 (VCV004976549.1).

ClinVar aggregate classification (germline): Uncertain significance (1 of 4 stars; one submission).

Submission:

GeneDx
Classification: Uncertain significance. Last evaluated: 2026-02-12. Review status: criteria provided, single submitter. Criteria: GeneDx Variant Classification Process June 2021. Collection method: clinical testing. Allele origin: germline.
Comment: Not observed at significant frequency in large population cohorts (gnomAD); In silico analysis supports that this missense variant has a deleterious effect on protein structure/function; Has not been previously published as pathogenic or benign to our knowledge